The following is an entry in ClinVar:

NM_006005.3(WFS1):c.1530C>G (p.Tyr510Ter)

Gene: WFS1 (wolframin ER transmembrane glycoprotein; plus strand). Cytogenetic location: 4p16.1.
Variant type: single nucleotide variant.
Coding change: c.1530C>G on transcript NM_006005.3 (MANE Select); coding-DNA position 1530, C replaced by G.
Protein change: p.Tyr510Ter; replaces tyrosine 510 with a stop codon.
Molecular consequence: nonsense.
Genome position (GRCh38, 1-based): chr4:6,301,325, C>G. VCF-style: chr4-6301325-C-G. GRCh37 (hg19) VCF-style: chr4-6303052-C-G.
Other names: c.1530C>G, p.Tyr510Ter (NM_001145853.1); short protein forms Y510*.
Identifiers: ClinVar variation 2045539 (VCV002045539.4), dbSNP rs35789242, ClinGen allele CA356175843.

ClinVar aggregate classification (germline): Pathogenic (1 of 4 stars; one submission).

gnomAD v4.1: 1 of 1,611,908 alleles (0.000062%); highest among the groups gnomAD compares: Non-Finnish European, 0.000085%; no homozygotes.

Submission:

Labcorp Genetics (formerly Invitae), Labcorp
Classification: Pathogenic. Last evaluated: 2021-12-17. Review status: criteria provided, single submitter. Criteria: Invitae Variant Classification Sherloc (09022015). Collection method: clinical testing. Allele origin: germline.
Comment: For these reasons, this variant has been classified as Pathogenic. This variant disrupts a region of the WFS1 protein in which other variant(s) (p.Pro885Leu) have been determined to be pathogenic (PMID: 10521293, 16806192, 28432734). This suggests that this is a clinically significant region of the protein, and that variants that disrupt it are likely to be disease-causing. Algorithms developed to predict the effect of sequence changes on RNA splicing suggest that this variant may create or strengthen a splice site. This premature translational stop signal has been observed in individual(s) with clinical features of autosomal recessive Wolfram syndrome (Invitae). This variant is not present in population databases (gnomAD no frequency). This sequence change creates a premature translational stop signal (p.Tyr510*) in the WFS1 gene. While this is not anticipated to result in nonsense mediated decay, it is expected to disrupt the last 381 amino acid(s) of the WFS1 protein.

Literature cited by the submitters: PubMed 10521293; PubMed 16806192; PubMed 28432734.